The following is an entry in ClinVar:

NM_025114.4(CEP290):c.3745C>T (p.Leu1249Phe)

Gene: CEP290 (centrosomal protein 290; minus strand). Cytogenetic location: 12q21.32.
Variant type: single nucleotide variant.
Coding change: c.3745C>T on transcript NM_025114.4 (MANE Select); coding-DNA position 3745, C replaced by T.
Protein change: p.Leu1249Phe; replaces leucine 1249 with phenylalanine.
Molecular consequence: missense variant.
Genome position (GRCh38, 1-based): chr12:88,089,316, G>A on the plus strand (C>T on the coding strand, the complement: CEP290 is on the minus strand). VCF-style: chr12-88089316-G-A. GRCh37 (hg19) VCF-style: chr12-88483093-G-A.
Other names: short protein forms L1249F.
Identifiers: ClinVar variation 2104569 (VCV002104569.4), dbSNP rs746213611, ClinGen allele CA6712093.

ClinVar aggregate classification (germline): Uncertain significance (1 of 4 stars; one submission).

Conditions:
Joubert syndrome. Also called: CEREBELLOPARENCHYMAL DISORDER IV; JOUBERT-BOLTSHAUSER SYNDROME; Familial aplasia of the vermis. Identifiers: Orphanet 475, MedGen C5979921, MONDO:0018772.
Nephronophthisis. Also called: Juvenile Nephronophthisis. Identifiers: Orphanet 655, MedGen C0687120, MONDO:0019005, HP:0000090.
Meckel-Gruber syndrome. Also called: DYSENCEPHALIA SPLANCHNOCYSTICA; GRUBER SYNDROME; Dysencephalia splachnocystica. Identifiers: Orphanet 564, MedGen C0265215, MONDO:0018921.

Allele frequency attached by ClinVar (database versions not stated): gnomAD exomes below 0.00001; ExAC 0.00001.
gnomAD v4.1: 1 of 1,613,906 alleles (0.000062%); highest among the groups gnomAD compares: East Asian, 0.0022%; no homozygotes.

Submission:

Labcorp Genetics (formerly Invitae), Labcorp
Classification: Uncertain significance for Joubert syndrome; Meckel-Gruber syndrome; Nephronophthisis. Last evaluated: 2023-11-28. Review status: criteria provided, single submitter. Criteria: Invitae Variant Classification Sherloc (09022015). Collection method: clinical testing. Allele origin: germline.
Comment: This sequence change replaces leucine, which is neutral and non-polar, with phenylalanine, which is neutral and non-polar, at codon 1249 of the CEP290 protein (p.Leu1249Phe). This variant is present in population databases (rs746213611, gnomAD 0.006%). This variant has not been reported in the literature in individuals affected with CEP290-related conditions. ClinVar contains an entry for this variant (Variation ID: 2104569). Advanced modeling of protein sequence and biophysical properties (such as structural, functional, and spatial information, amino acid conservation, physicochemical variation, residue mobility, and thermodynamic stability) performed at Invitae indicates that this missense variant is expected to disrupt CEP290 protein function with a positive predictive value of 80%. In summary, the available evidence is currently insufficient to determine the role of this variant in disease. Therefore, it has been classified as a Variant of Uncertain Significance.